The following is an entry in ClinVar:

NM_014141.6(CNTNAP2):c.905A>G (p.Asn302Ser)

Gene: CNTNAP2 (contactin associated protein 2; plus strand). Cytogenetic location: 7q35.
Variant type: single nucleotide variant.
Coding change: c.905A>G on transcript NM_014141.6 (MANE Select); coding-DNA position 905, A replaced by G.
Protein change: p.Asn302Ser; replaces asparagine 302 with serine.
Molecular consequence: missense variant.
Genome position (GRCh38, 1-based): chr7:147,121,129, A>G. VCF-style: chr7-147121129-A-G. GRCh37 (hg19) VCF-style: chr7-146818221-A-G.
Other names: short protein forms N302S.
Identifiers: ClinVar variation 411996 (VCV000411996.7), dbSNP rs1060503569, ClinGen allele CA16612288.
Genomic context (GRCh38, chr7:147,121,129, plus strand): 5'-AGCGCCAGGGGCGGAGCATTAACCTCACTCTGGACAGGAGCATGCAGCACTTCCGTACCA[A>G]TGGAGAGTTTGACTACCTGGACTTGGACTATGAGGTACATGTGATGACGTAGAAATTGTA-3'
Protein context (NP_054860.1, residues 292-312): LDRSMQHFRT[Asn302Ser]GEFDYLDLDY

ClinVar aggregate classification (germline): Uncertain significance. Review status: criteria provided, multiple submitters, no conflicts (2 of 4 stars). 2 submissions from 2 submitters: Uncertain significance (2). Last evaluated 2021-08-24.

Conditions:
Cortical dysplasia-focal epilepsy syndrome (PTHSL1). Also called: Pitt-Hopkins-like syndrome 1. Identifiers: Orphanet 163681, Orphanet 221150, MedGen C2750246, MONDO:0012400, OMIM 610042.

Allele frequency attached by ClinVar (database versions not stated): gnomAD exomes below 0.00001; TOPMed 0.00001.

Submissions (2):

Labcorp Genetics (formerly Invitae), Labcorp
Classification: Uncertain significance for Cortical dysplasia-focal epilepsy syndrome. Last evaluated: 2021-08-24. Review status: criteria provided, single submitter. Criteria: Invitae Variant Classification Sherloc (09022015). Collection method: clinical testing. Allele origin: germline.
Comment: This sequence change replaces asparagine with serine at codon 302 of the CNTNAP2 protein (p.Asn302Ser). The asparagine residue is moderately conserved and there is a small physicochemical difference between asparagine and serine. This variant is not present in population databases (ExAC no frequency). This variant has not been reported in the literature in individuals affected with CNTNAP2-related conditions. Algorithms developed to predict the effect of missense changes on protein structure and function are either unavailable or do not agree on the potential impact of this missense change (SIFT: "Deleterious"; PolyPhen-2: "Benign"; Align-GVGD: "Class C0"). Algorithms developed to predict the effect of sequence changes on RNA splicing suggest that this variant may create or strengthen a splice site. In summary, the available evidence is currently insufficient to determine the role of this variant in disease. Therefore, it has been classified as a Variant of Uncertain Significance.

Baylor Genetics
Classification: Uncertain significance for Cortical dysplasia-focal epilepsy syndrome. Last evaluated: 2019-11-05. Review status: criteria provided, single submitter. Criteria: ACMG Guidelines, 2015. Collection method: clinical testing. Allele origin: unknown. Affected: yes.
Comment: This variant was determined to be of uncertain significance according to ACMG Guidelines, 2015 [PMID:25741868].